The following is an entry in ClinVar:

NM_000091.5(COL4A3):c.934G>C (p.Gly312Arg)

Genes: COL4A3 (collagen type IV alpha 3 chain; plus strand), MFF-DT (MFF divergent transcript; minus strand). Cytogenetic location: 2q36.3.
Variant type: single nucleotide variant.
Coding change: c.934G>C on transcript NM_000091.5 (MANE Select); coding-DNA position 934, G replaced by C.
Protein change: p.Gly312Arg; replaces glycine 312 with arginine.
Molecular consequence: missense variant.
Genome position (GRCh38, 1-based): chr2:227,256,343, G>C. VCF-style: chr2-227256343-G-C. GRCh37 (hg19) VCF-style: chr2-228121059-G-C.
Other names: p.(Gly312Arg); short protein forms G312R.
Identifiers: ClinVar variation 4853867 (VCV004853867.1).

ClinVar aggregate classification (germline): Likely pathogenic. Review status: criteria provided, single submitter (1 of 4 stars). 2 submissions from 1 submitter: Likely pathogenic (2). Last evaluated 2026-03-20.

Conditions:
Autosomal dominant Alport syndrome (ATS3A). Also called: ALPORT SYNDROME 3A, AUTOSOMAL DOMINANT; Alport syndrome dominant type; Renal failure and sensorineural hearing loss. Identifiers: Orphanet 63, Orphanet 88918, MedGen C5882663, MONDO:0007086, OMIM 104200.
Alport syndrome 3b, autosomal recessive. Identifiers: MedGen C5882699, MONDO:0957811, OMIM 620536.

gnomAD v4.1: 1 of 1,613,454 alleles (0.000062%); highest among the groups gnomAD compares: Non-Finnish European, 0.000085%; no homozygotes.

Submissions (2):

Centre de Génétique Humaine, Institut de Pathologie Et de Génétique
Classification: Likely pathogenic for Alport syndrome 3b, autosomal recessive. Last evaluated: 2026-03-20. Review status: criteria provided, single submitter. Criteria: ACMG Guidelines, 2015. Collection method: clinical testing. Allele origin: germline. Inheritance: Autosomal recessive inheritance. Affected: yes. Observed: 4 variant alleles, 4 compound heterozygotes. Clinical features observed: Microscopic hematuria (HP:0002907), Proteinuria (HP:0000093), Stage 5 chronic kidney disease (HP:0003774). Segregation with disease not observed.
Comment: This missense variant involves a highly conserved glycine located in a ‘Gly-X-Y’ motif in collagenous region, which is characteristic of the pathogenic variants identified in the COL4A3 gene (PM1,PP2). Variant adjacent to splice site.This variant is rare: allelic frequency of 0.00006% in gnomAD v4.1.0 database (PM2); In silico analysis supports that this missense variant has a deleterious effect (PP3). Detected in digenic and AR Alport S (PP5)

Centre de Génétique Humaine, Institut de Pathologie Et de Génétique
Classification: Likely pathogenic for Autosomal dominant Alport syndrome. Last evaluated: 2026-03-20. Review status: criteria provided, single submitter. Criteria: ACMG Guidelines, 2015. Collection method: clinical testing. Allele origin: paternal. Inheritance: Autosomal dominant inheritance. Affected: yes. Observed: 1 variant allele, 1 heterozygote. Segregation with disease observed.
Comment: the same text as in the submission from Centre de Génétique Humaine, Institut de Pathologie Et de Génétique above.

Literature cited by the submitters: PubMed 24854265; PubMed 29854973.